The following is an entry in ClinVar:

NM_001375380.1(EBF3):c.455G>T (p.Arg152Leu)

Gene: EBF3 (EBF transcription factor 3; minus strand). Cytogenetic location: 10q26.3.
Variant type: single nucleotide variant.
Coding change: c.455G>T on transcript NM_001375380.1 (MANE Select); coding-DNA position 455, G replaced by T.
Protein change: p.Arg152Leu; replaces arginine 152 with leucine.
Molecular consequence: missense variant.
Genome position (GRCh38, 1-based): chr10:129,958,964, C>A on the plus strand (G>T on the coding strand, the complement: EBF3 is on the minus strand). VCF-style: chr10-129958964-C-A. GRCh37 (hg19) VCF-style: chr10-131757228-C-A.
Other names: c.455G>T, p.Arg152Leu (NM_001005463.3, NM_001375379.1, NM_001375389.1 and 3 more transcripts); short protein forms R152L.
Identifiers: ClinVar variation 4886877 (VCV004886877.1).
Genomic context (GRCh38, chr10:129,958,964, plus strand): 5'-CGCCCCCGCCGCCCGCCGCCCGCCGCTCACCTGCACATGATCTCGTGGGTCAGCAGCACA[C>A]GGCACATCTCCGGGTTCTTGTCCTGGCCCTCGTAGACGATGGCCTGCGCGAGGGACAAGC-3'
Protein context (NP_001362309.1, residues 142-162): EGQDKNPEMC[Arg152Leu]VLLTHEIMCS

ClinVar aggregate classification (germline): Pathogenic (1 of 4 stars; one submission).

Conditions:
Hypotonia, ataxia, and delayed development syndrome (HADDS). Also called: EBF3 Neurodevelopmental Disorder. Identifiers: Orphanet 658843, MedGen C4310618, MONDO:0015021, OMIM 617330.

Submission:

Genetics Laboratory, Department of Biology, Semnan University
Classification: Pathogenic for Hypotonia, ataxia, and delayed development syndrome. Last evaluated: 2022-05-16. Review status: criteria provided, single submitter. Criteria: ACMG Guidelines, 2015. Collection method: research. Allele origin: germline. Inheritance: Autosomal dominant inheritance. Affected: yes. Observed: 1 variant allele, 1 heterozygote.
Comment: The identified variant leads to the substitution of Arginine 455 with leucin (R455L) in the EBF3 protein. Hence, this substitution could alter the amino acid sequence and could leads to a decreased function of mutated protein.

Literature cited by the submitters: DOI 10.3389/fgene.2021.676832.